The following is an entry in ClinVar:

ClinVar aggregate classification (germline): Uncertain significance (1 of 4 stars; one submission).

Allele frequency attached by ClinVar (database versions not stated): gnomAD exomes below 0.00001; gnomAD 0.00001; TOPMed 0.00002.
gnomAD v4.1: 2 of 1,613,838 alleles (0.00012%); highest among the groups gnomAD compares: Admixed American, 0.0017%; no homozygotes.

Submission:

Ambry Genetics
Classification: Uncertain significance. Last evaluated: 2023-04-03. Review status: criteria provided, single submitter. Criteria: Ambry Variant Classification Scheme 2023. Collection method: clinical testing. Allele origin: germline.
Comment: The p.K921E variant (also known as c.2761A>G), located in coding exon 17 of the MYOM1 gene, results from an A to G substitution at nucleotide position 2761. The lysine at codon 921 is replaced by glutamic acid, an amino acid with similar properties. This amino acid position is conserved. In addition, this alteration is predicted to be tolerated by in silico analysis. Since supporting evidence is limited at this time, the clinical significance of this alteration remains unclear.

NM_003803.4(MYOM1):c.2761A>G (p.Lys921Glu)

Gene: MYOM1 (myomesin 1; minus strand). Cytogenetic location: 18p11.31.
Variant type: single nucleotide variant.
Coding change: c.2761A>G on transcript NM_003803.4 (MANE Select); coding-DNA position 2761, A replaced by G.
Protein change: p.Lys921Glu; replaces lysine 921 with glutamic acid.
Molecular consequence: missense variant. On other transcripts: intron variant (1).
Genome position (GRCh38, 1-based): chr18:3,129,265, T>C on the plus strand (A>G on the coding strand, the complement: MYOM1 is on the minus strand). VCF-style: chr18-3129265-T-C. GRCh37 (hg19) VCF-style: chr18-3129263-T-C.
Other names: c.2506+2110A>G (NM_019856.2); short protein forms K921E.
Identifiers: ClinVar variation 2561498 (VCV002561498.2), dbSNP rs1002082981, ClinGen allele CA295515410.